The following is an entry in ClinVar:

NC_000005.9:g.(?_112043009)_(112179823_?)dup

Gene: APC (APC regulator of Wnt signaling pathway; plus strand). Cytogenetic location: 5q22.2.
Variant type: Duplication.
Identifiers: ClinVar variation 2422185 (VCV002422185.3).

ClinVar aggregate classification (germline): Uncertain significance (1 of 4 stars; one submission).

Conditions:
Familial adenomatous polyposis 1 (FAP1). Also called: FAMILIAL ADENOMATOUS POLYPOSIS 1, ATTENUATED; POLYPOSIS, ADENOMATOUS INTESTINAL. Identifiers: MedGen C2713442, MONDO:0021056, OMIM 175100. Disease mechanism: loss of function.

Submission:

Labcorp Genetics (formerly Invitae), Labcorp
Classification: Uncertain significance for Familial adenomatous polyposis 1. Last evaluated: 2021-08-06. Review status: criteria provided, single submitter. Criteria: Invitae Variant Classification Sherloc (09022015). Collection method: clinical testing. Allele origin: germline.
Comment: This variant results in a copy number gain of the genomic region encompassing the full coding sequence of the APC gene. The boundaries of this event are unknown as they extend beyond the assayed region for this gene and therefore may encompass additional genes. As the precise location of this event is unknown, it may be in tandem or it may be located elsewhere in the genome. This variant has not been reported in the literature in individuals with APC-related conditions. In summary, the available evidence is currently insufficient to determine the role of this variant in disease. Therefore, it has been classified as a Variant of Uncertain Significance.